The following is an entry in ClinVar:

NM_015215.4(CAMTA1):c.1330T>C (p.Phe444Leu)

Gene: CAMTA1 (calmodulin binding transcription activator 1; plus strand). Cytogenetic location: 1p36.23.
Variant type: single nucleotide variant.
Coding change: c.1330T>C on transcript NM_015215.4 (MANE Select); coding-DNA position 1330, T replaced by C.
Protein change: p.Phe444Leu; replaces phenylalanine 444 with leucine.
Molecular consequence: missense variant.
Genome position (GRCh38, 1-based): chr1:7,663,877, T>C. VCF-style: chr1-7663877-T-C. GRCh37 (hg19) VCF-style: chr1-7723937-T-C.
Other names: c.1240T>C, p.Phe414Leu (NM_001349608.2, NM_001349612.2); c.1330T>C, p.Phe444Leu (NM_001349609.2, NM_001349610.2, NM_001410737.1); c.1258T>C, p.Phe420Leu (NM_001410738.1); c.1330T>C (NM_015215.3); short protein forms F414L, F420L, F444L.
Identifiers: ClinVar variation 2783753 (VCV002783753.4), dbSNP rs145180581, ClinGen allele CA17244399.

ClinVar aggregate classification (germline): Uncertain significance. Review status: criteria provided, multiple submitters, no conflicts (2 of 4 stars). 2 submissions from 2 submitters: Uncertain significance (2). Last evaluated 2025-08-06.

Allele frequency attached by ClinVar (database versions not stated): gnomAD 0.00001; gnomAD exomes 0.00001; ESP Exome Variant Server 0.00008; TOPMed below 0.00001.
gnomAD v4.1: 4 of 1,613,854 alleles (0.00025%); highest among the groups gnomAD compares: African/African-American, 0.0053%; no homozygotes.

Submissions (2):

GeneDx
Classification: Uncertain significance. Last evaluated: 2025-08-06. Review status: criteria provided, single submitter. Criteria: GeneDx Variant Classification Process June 2021. Collection method: clinical testing. Allele origin: germline. Affected: yes.
Comment: Not observed at significant frequency in large population cohorts (gnomAD); In silico analysis suggests that this missense variant does not alter protein structure/function; Has not been previously published as pathogenic or benign to our knowledge

Labcorp Genetics (formerly Invitae), Labcorp
Classification: Uncertain significance. Last evaluated: 2024-02-12. Review status: criteria provided, single submitter. Criteria: Invitae Variant Classification Sherloc (09022015). Collection method: clinical testing. Allele origin: germline.
Comment: This sequence change replaces phenylalanine, which is neutral and non-polar, with leucine, which is neutral and non-polar, at codon 444 of the CAMTA1 protein (p.Phe444Leu). This variant is not present in population databases (gnomAD no frequency). This variant has not been reported in the literature in individuals affected with CAMTA1-related conditions. An algorithm developed to predict the effect of missense changes on protein structure and function (PolyPhen-2) suggests that this variant is likely to be disruptive. In summary, the available evidence is currently insufficient to determine the role of this variant in disease. Therefore, it has been classified as a Variant of Uncertain Significance.